The following is an entry in ClinVar:

NM_005359.6(SMAD4):c.*2796G>T

Gene: SMAD4 (SMAD family member 4; plus strand). Cytogenetic location: 18q21.2.
Variant type: single nucleotide variant.
Coding change: c.*2796G>T on transcript NM_005359.6 (MANE Select); 2796 bases downstream of the stop codon, G replaced by T.
Molecular consequence: 3 prime UTR variant.
Genome position (GRCh38, 1-based): chr18:51,081,263, G>T. VCF-style: chr18-51081263-G-T. GRCh37 (hg19) VCF-style: chr18-48607633-G-T.
Identifiers: ClinVar variation 327148 (VCV000327148.5), dbSNP rs4939651, ClinGen allele CA10650974.

ClinVar aggregate classification (germline): Benign. Review status: criteria provided, single submitter (1 of 4 stars). 3 submissions from 1 submitter: Benign (3). Last evaluated 2018-01-13.

Conditions:
Myhre syndrome (MYHRS). Also called: LARYNGOTRACHEAL STENOSIS, ARTHROPATHY, PROGNATHISM, AND SHORT STATURE; LAPS SYNDROME. Identifiers: Orphanet 2588, MedGen C0796081, MONDO:0007688, OMIM 139210.
Generalized juvenile polyposis/juvenile polyposis coli. Also called: Juvenile polyposis coli. Identifiers: Orphanet 329971, MedGen C1868081, MONDO:0008276.
Juvenile polyposis/hereditary hemorrhagic telangiectasia syndrome (JPHT). Also called: JP/HHT SYNDROME; JUVENILE POLYPOSIS WITH HEREDITARY HEMORRHAGIC TELANGIECTASIA; POLYPOSIS, GENERALIZED JUVENILE, WITH PULMONARY ARTERIOVENOUS MALFORMATION; TELANGIECTASIA, HEREDITARY HEMORRHAGIC, WITH JUVENILE POLYPOSIS COLI; Juvenile Polyposis Syndrome / Hereditary Hemorrhagic Telangiectasia (JPS/HHT). Identifiers: Orphanet 2929, MedGen C1832942, MONDO:0008278, OMIM 175050.

Allele frequency attached by ClinVar (database versions not stated): gnomAD 0.00278 and 0.00337; TOPMed 0.00506; gnomAD exomes 0.00599; 1000 Genomes Project 30x 0.01077; 1000 Genomes Project 0.01198.

Submissions (3):

Illumina Laboratory Services, Illumina
Classification: Benign for Myhre syndrome. Last evaluated: 2018-01-13. Review status: criteria provided, single submitter. Criteria: ICSL Variant Classification Criteria 13 December 2019. Collection method: clinical testing. Allele origin: germline.
Comment: This variant was observed in the ICSL laboratory as part of a predisposition screen in an ostensibly healthy population. It had not been previously curated by ICSL or reported in the Human Gene Mutation Database (HGMD: prior to June 1st, 2018), and was therefore a candidate for classification through an automated scoring system. Utilizing variant allele frequency, disease prevalence and penetrance estimates, and inheritance mode, an automated score was calculated to assess if this variant is too frequent to cause the disease. Based on the score and internal cut-off values, a variant classified as benign is not then subjected to further curation. The score for this variant resulted in a classification of benign for this disease.

Illumina Laboratory Services, Illumina
Classification: Benign for Juvenile polyposis syndrome. Last evaluated: 2018-01-13. Review status: criteria provided, single submitter. Criteria: ICSL Variant Classification Criteria 13 December 2019. Collection method: clinical testing. Allele origin: germline.
Comment: the same text as in the submission from Illumina Laboratory Services, Illumina above.

Illumina Laboratory Services, Illumina
Classification: Benign for Juvenile polyposis/hereditary hemorrhagic telangiectasia syndrome. Last evaluated: 2018-01-13. Review status: criteria provided, single submitter. Criteria: ICSL Variant Classification Criteria 13 December 2019. Collection method: clinical testing. Allele origin: germline.
Comment: the same text as in the submission from Illumina Laboratory Services, Illumina above.